The following is an entry in ClinVar:

NM_000393.5(COL5A2):c.1104+116T>C

Gene: COL5A2 (collagen type V alpha 2 chain; minus strand). Cytogenetic location: 2q32.2.
Variant type: single nucleotide variant.
Coding change: c.1104+116T>C on transcript NM_000393.5 (MANE Select); 116 bases into the intron after coding-DNA position 1104, T replaced by C.
Molecular consequence: intron variant.
Genome position (GRCh38, 1-based): chr2:189,075,277, A>G on the plus strand (T>C on the coding strand, the complement: COL5A2 is on the minus strand). VCF-style: chr2-189075277-A-G. GRCh37 (hg19) VCF-style: chr2-189940003-A-G.
Identifiers: ClinVar variation 676072 (VCV000676072.1), dbSNP rs73978829, ClinGen allele CA62560886.

ClinVar aggregate classification (germline): Likely benign (1 of 4 stars; one submission).

Allele frequency attached by ClinVar (database versions not stated): gnomAD exomes 0.00107; 1000 Genomes Project 0.00919; 1000 Genomes Project 30x 0.00937; gnomAD 0.00937 and 0.01005; TOPMed 0.01053.
gnomAD v4.1: 2,050 of 726,950 alleles (0.28%); highest among the groups gnomAD compares: African/African-American, 3.2%; 23 homozygotes.

Submission:

GeneDx
Classification: Likely benign. Last evaluated: 2018-06-14. Review status: criteria provided, single submitter. Criteria: GeneDx Variant Classification (06012015). Collection method: clinical testing. Allele origin: germline. Affected: yes.
Comment: This variant is considered likely benign or benign based on one or more of the following criteria: it is a conservative change, it occurs at a poorly conserved position in the protein, it is predicted to be benign by multiple in silico algorithms, and/or has population frequency not consistent with disease.